The following is an entry in ClinVar:

NM_000089.4(COL1A2):c.2018G>A (p.Gly673Asp)

Gene: COL1A2 (collagen type I alpha 2 chain; plus strand). Cytogenetic location: 7q21.3.
Variant type: single nucleotide variant.
Coding change: c.2018G>A on transcript NM_000089.4 (MANE Select); coding-DNA position 2018, G replaced by A.
Protein change: p.Gly673Asp; replaces glycine 673 with aspartic acid.
Molecular consequence: missense variant.
Genome position (GRCh38, 1-based): chr7:94,418,545, G>A. VCF-style: chr7-94418545-G-A. GRCh37 (hg19) VCF-style: chr7-94047857-G-A.
Other names: short protein forms G673D.
Identifiers: ClinVar variation 1459496 (VCV001459496.8), dbSNP rs2115924495, ClinGen allele CA368223080.
Genomic context (GRCh38, chr7:94,418,545, plus strand): 5'-CTTTATACTTTCAGGGTGAACCTGGTCTCAGAGGTGAAATTGGTAACCCTGGCAGAGATG[G>A]TGCTCGTGTGAGTAGAATTTTGTTTGTATGTTTCTTCGTACTTGGATTTTTTTTTTATGT-3'
Protein context (NP_000080.2, residues 663-683): RGEIGNPGRD[Gly673Asp]ARGAPGAVGA

ClinVar aggregate classification (germline): Pathogenic (1 of 4 stars; one submission).

Conditions:
Ehlers-Danlos syndrome, classic type, 1 (EDSCL1). Also called: EHLERS-DANLOS SYNDROME, GRAVIS TYPE; EHLERS-DANLOS SYNDROME, SEVERE CLASSIC TYPE; Ehlers-Danlos syndrome, type 1; Ehlers-Danlos Syndrome, Classic Type, COL5A1-Related; EDS I. Identifiers: MedGen C0268335, MONDO:0019567, OMIM 130000.
Osteogenesis imperfecta type I (OI1). Also called: OI, TYPE I; OSTEOGENESIS IMPERFECTA TARDA; OSTEOGENESIS IMPERFECTA WITH BLUE SCLERAE; Osteogenesis imperfecta type 1; Lobstein's Disease; Lobstein disease. Identifiers: Orphanet 216796, Orphanet 666, MedGen C0023931, MONDO:0008146, OMIM 166200. Disease mechanism: loss of function.

Submission:

Labcorp Genetics (formerly Invitae), Labcorp
Classification: Pathogenic for Osteogenesis imperfecta type I; Ehlers-Danlos syndrome, classic type, 1. Last evaluated: 2021-06-22. Review status: criteria provided, single submitter. Criteria: Invitae Variant Classification Sherloc (09022015). Collection method: clinical testing. Allele origin: germline.
Comment: This sequence change replaces glycine with aspartic acid at codon 673 of the COL1A2 protein (p.Gly673Asp). The glycine residue is highly conserved and there is a moderate physicochemical difference between glycine and aspartic acid. This variant is not present in population databases (ExAC no frequency). This variant has been observed in individual(s) with autosomal dominant osteogenesis imperfecta (PMID: 26627451, 27509835). Advanced modeling of protein sequence and biophysical properties (such as structural, functional, and spatial information, amino acid conservation, physicochemical variation, residue mobility, and thermodynamic stability) performed at Invitae indicates that this missense variant is expected to disrupt COL1A2 protein function. This variant disrupts the triple helix domain of COL1A2. Glycine residues within the Gly-Xaa-Yaa repeats of the triple helix domain are required for the structure and stability of fibrillar collagens (PMID: 7695699, 8218237, 19344236). In COL1A2, variants affecting these glycine residues are significantly enriched in individuals with disease (PMID: 9016532, 17078022) compared to the general population (ExAC). For these reasons, this variant has been classified as Pathogenic.

Literature cited by the submitters: PubMed 26627451; PubMed 27509835; PubMed 7695699; PubMed 8218237; PubMed 19344236; PubMed 9016532; PubMed 17078022.